The following is an entry in ClinVar:

NM_138295.5(PKD1L1):c.5961C>T (p.Ser1987=)

Gene: PKD1L1 (polycystin 1 like 1, transient receptor potential channel interacting; minus strand). Cytogenetic location: 7p12.3.
Variant type: single nucleotide variant.
Coding change: c.5961C>T on transcript NM_138295.5 (MANE Select); coding-DNA position 5961, C replaced by T.
Protein change: p.Ser1987=; no amino-acid change (serine 1987 retained).
Molecular consequence: synonymous variant.
Genome position (GRCh38, 1-based): chr7:47,835,226, G>A on the plus strand (C>T on the coding strand, the complement: PKD1L1 is on the minus strand). VCF-style: chr7-47835226-G-A. GRCh37 (hg19) VCF-style: chr7-47874824-G-A.
Identifiers: ClinVar variation 3350681 (VCV003350681.1).

ClinVar aggregate classification (germline): Likely benign (0 of 4 stars; one submission).

Conditions:
PKD1L1-related disorder. Also called: PKD1L1-related condition.

gnomAD v4.1: 68 of 1,588,676 alleles (0.0043%); highest among the groups gnomAD compares: Non-Finnish European, 0.0052%; no homozygotes.

Submission:

PreventionGenetics, part of Exact Sciences
Classification: Likely benign for PKD1L1-related condition. Last evaluated: 2024-03-08. Review status: no assertion criteria provided. Collection method: clinical testing. Allele origin: germline.
Comment: This variant is classified as likely benign based on ACMG/AMP sequence variant interpretation guidelines (Richards et al. 2015 PMID: 25741868, with internal and published modifications).